The following is an entry in ClinVar:

NM_000138.5(FBN1):c.3838G>C (p.Asp1280His)

Gene: FBN1 (fibrillin 1; minus strand). Cytogenetic location: 15q21.1.
Variant type: single nucleotide variant.
Coding change: c.3838G>C on transcript NM_000138.5 (MANE Select); coding-DNA position 3838, G replaced by C.
Protein change: p.Asp1280His; replaces aspartic acid 1280 with histidine.
Molecular consequence: missense variant.
Genome position (GRCh38, 1-based): chr15:48,483,818, C>G on the plus strand (G>C on the coding strand, the complement: FBN1 is on the minus strand). VCF-style: chr15-48483818-C-G. GRCh37 (hg19) VCF-style: chr15-48776015-C-G.
Other names: c.3838G>C, p.Asp1280His (NM_001406716.1); short protein forms D1280H.
Identifiers: ClinVar variation 4786144 (VCV004786144.1).

ClinVar aggregate classification (germline): Likely pathogenic (1 of 4 stars; one submission).

Conditions:
Marfan syndrome (MFS). Also called: FBN1-Related Marfan Syndrome; MARFAN SYNDROME, TYPE I; Marfan syndrome type 1; Marfan's syndrome; Marfan syndrome, classic. Identifiers: Orphanet 284963, Orphanet 558, MedGen C0024796, MONDO:0007947, OMIM 154700.
Familial thoracic aortic aneurysm and aortic dissection (TAAD). Also called: Thoracic aortic aneurysms and dissections. Identifiers: Orphanet 91387, MedGen C4707243, MONDO:0019625.

Submission:

Labcorp Genetics (formerly Invitae), Labcorp
Classification: Likely pathogenic for Marfan syndrome; Familial thoracic aortic aneurysm and aortic dissection. Last evaluated: 2025-09-15. Review status: criteria provided, single submitter. Criteria: Invitae Variant Classification Sherloc (09022015). Collection method: clinical testing. Allele origin: germline.
Comment: This sequence change replaces aspartic acid, which is acidic and polar, with histidine, which is basic and polar, at codon 1280 of the FBN1 protein (p.Asp1280His). This variant also falls at the last nucleotide of exon 31, which is part of the consensus splice site for this exon. This variant is not present in population databases (gnomAD no frequency). This missense change has been observed in individuals with clinical features of FBN1-related conditions (Chakova et al. 2024. Medical Genetics. DOI 10.25557/2073-7998.2024.03.38-48, internal data). An algorithm developed to predict the effect of missense changes on protein structure and function (PolyPhen-2) suggests that this variant is likely to be disruptive. Variants that disrupt the consensus splice site are a relatively common cause of aberrant splicing (PMID: 17576681, 9536098). Algorithms developed to predict the effect of sequence changes on RNA splicing suggest that this variant may disrupt the consensus splice site. This variant disrupts the c.3838G nucleotide in the FBN1 gene. Other variant(s) that disrupt this nucleotide have been determined to be pathogenic (PMID: 27906200, 31163209, 36517271; internal data). This suggests that this nucleotide is clinically significant, and that variants that disrupt this position are likely to be disease-causing. In summary, the currently available evidence indicates that the variant is pathogenic, but additional data are needed to prove that conclusively. Therefore, this variant has been classified as Likely Pathogenic.

Literature cited by the submitters: PubMed 17576681; PubMed 9536098; PubMed 27906200; PubMed 31163209; PubMed 36517271.